The following is an entry in ClinVar:

NM_138638.5(CFL2):c.475G>T (p.Val159Phe)

Gene: CFL2 (cofilin 2; minus strand). Cytogenetic location: 14q13.1.
Variant type: single nucleotide variant.
Coding change: c.475G>T on transcript NM_138638.5 (MANE Select); coding-DNA position 475, G replaced by T.
Protein change: p.Val159Phe; replaces valine 159 with phenylalanine.
Molecular consequence: missense variant. On other transcripts: non-coding transcript variant (2).
Genome position (GRCh38, 1-based): chr14:34,712,891, C>A on the plus strand (G>T on the coding strand, the complement: CFL2 is on the minus strand). VCF-style: chr14-34712891-C-A. GRCh37 (hg19) VCF-style: chr14-35182097-C-A.
Other names: c.424G>T, p.Val142Phe (NM_001243645.2); c.475G>T, p.Val159Phe (NM_021914.8); short protein forms V142F, V159F.
Identifiers: ClinVar variation 1001719 (VCV001001719.8), dbSNP rs1885356615, ClinGen allele CA389420856.

ClinVar aggregate classification (germline): Uncertain significance (1 of 4 stars; one submission).

Conditions:
Nemaline myopathy 7 (NEM7). Also called: Nemaline myopathy 7, autosomal recessive. Identifiers: Orphanet 171436, MedGen C1853154, MONDO:0012538, OMIM 610687.

Submission:

Labcorp Genetics (formerly Invitae), Labcorp
Classification: Uncertain significance for Nemaline myopathy 7. Last evaluated: 2021-01-08. Review status: criteria provided, single submitter. Criteria: Invitae Variant Classification Sherloc (09022015). Collection method: clinical testing. Allele origin: germline.
Comment: This variant is not present in population databases (ExAC no frequency). This sequence change replaces valine with phenylalanine at codon 159 of the CFL2 protein (p.Val159Phe). The valine residue is highly conserved and there is a small physicochemical difference between valine and phenylalanine. In summary, the available evidence is currently insufficient to determine the role of this variant in disease. Therefore, it has been classified as a Variant of Uncertain Significance. Algorithms developed to predict the effect of missense changes on protein structure and function are either unavailable or do not agree on the potential impact of this missense change (SIFT: "Deleterious"; PolyPhen-2: "Benign"; Align-GVGD: "Class C45"). This variant has not been reported in the literature in individuals with CFL2-related conditions.